The following is an entry in ClinVar:

ClinVar aggregate classification (germline): Likely benign (1 of 4 stars; one submission).

gnomAD v4.1: 14 of 1,602,496 alleles (0.00087%); highest among the groups gnomAD compares: African/African-American, 0.004%; no homozygotes.

Submission:

CeGaT Center for Human Genetics Tuebingen
Classification: Likely benign. Last evaluated: 2025-05-01. Review status: criteria provided, single submitter. Criteria: CeGaT Center For Human Genetics Tuebingen Variant Classification Criteria Version 2. Collection method: clinical testing. Allele origin: germline. Affected: yes. Observed: 1 variant allele.
Comment: QRICH1: BP4, BP7

NM_198880.3(QRICH1):c.69G>A (p.Pro23=)

Gene: QRICH1 (glutamine rich 1; minus strand). Cytogenetic location: 3p21.31.
Variant type: single nucleotide variant.
Coding change: c.69G>A on transcript NM_198880.3 (MANE Select); coding-DNA position 69, G replaced by A.
Protein change: p.Pro23=; no amino-acid change (proline 23 retained).
Molecular consequence: synonymous variant.
Genome position (GRCh38, 1-based): chr3:49,076,949, C>T on the plus strand (G>A on the coding strand, the complement: QRICH1 is on the minus strand). VCF-style: chr3-49076949-C-T. GRCh37 (hg19) VCF-style: chr3-49114382-C-T.
Other names: c.69G>A, p.Pro23= (NM_001320580.2, NM_001320581.2, NM_001320582.2 and 4 more transcripts).
Identifiers: ClinVar variation 3905477 (VCV003905477.10).